The following is an entry in ClinVar:

NM_005228.5(EGFR):c.1552C>G (p.Pro518Ala)

Gene: EGFR (epidermal growth factor receptor; plus strand). Cytogenetic location: 7p11.2.
Variant type: single nucleotide variant.
Coding change: c.1552C>G on transcript NM_005228.5 (MANE Select); coding-DNA position 1552, C replaced by G.
Protein change: p.Pro518Ala; replaces proline 518 with alanine.
Molecular consequence: missense variant.
Genome position (GRCh38, 1-based): chr7:55,161,552, C>G. VCF-style: chr7-55161552-C-G. GRCh37 (hg19) VCF-style: chr7-55229245-C-G.
Other names: c.1417C>G, p.Pro473Ala (NM_001346897.2, NM_001346899.2); c.1552C>G, p.Pro518Ala (NM_001346898.2, NM_201282.2, NM_201284.2); c.1393C>G, p.Pro465Ala (NM_001346900.2); c.751C>G, p.Pro251Ala (NM_001346941.2); short protein forms P251A, P465A, P473A, P518A.
Identifiers: ClinVar variation 4870278 (VCV004870278.1).

ClinVar aggregate classification (germline): Uncertain significance (1 of 4 stars; one submission).

Conditions:
Hereditary cancer-predisposing syndrome. Also called: Neoplastic Syndromes, Hereditary; Tumor predisposition; Hereditary Cancer Syndrome; Hereditary neoplastic syndrome. Identifiers: Orphanet 140162, MedGen C0027672, MeSH D009386, MONDO:0015356.

Submission:

Ambry Genetics
Classification: Uncertain significance for Hereditary cancer-predisposing syndrome. Last evaluated: 2026-05-17. Review status: criteria provided, single submitter. Criteria: Ambry Variant Classification Scheme 2023. Collection method: clinical testing. Allele origin: germline.
Comment: The p.P518A variant (also known as c.1552C>G), located in coding exon 13 of the EGFR gene, results from a C to G substitution at nucleotide position 1552. The proline at codon 518 is replaced by alanine, an amino acid with highly similar properties. This amino acid position is conserved. In addition, this alteration is predicted to be tolerated by in silico analysis. Based on the available evidence, the clinical significance of this variant remains unclear.